The following is an entry in ClinVar:

NM_201384.3(PLEC):c.4102G>A (p.Ala1368Thr)

Gene: PLEC (plectin; minus strand). Cytogenetic location: 8q24.3.
Variant type: single nucleotide variant.
Coding change: c.4102G>A on transcript NM_201384.3 (MANE Select); coding-DNA position 4102, G replaced by A.
Protein change: p.Ala1368Thr; replaces alanine 1368 with threonine.
Molecular consequence: missense variant.
Genome position (GRCh38, 1-based): chr8:143,925,827, C>T on the plus strand (G>A on the coding strand, the complement: PLEC is on the minus strand). VCF-style: chr8-143925827-C-T. GRCh37 (hg19) VCF-style: chr8-144999995-C-T.
Other names: c.4183G>A, p.Ala1395Thr (NM_000445.5); c.4060G>A, p.Ala1354Thr (NM_201378.4); c.4036G>A, p.Ala1346Thr (NM_201379.3); c.4513G>A, p.Ala1505Thr (NM_201380.4); c.4006G>A, p.Ala1336Thr (NM_201381.3); c.4102G>A, p.Ala1368Thr (NM_201382.4); c.4114G>A, p.Ala1372Thr (NM_201383.3); short protein forms A1368T, A1372T, A1336T, A1346T, A1505T, A1354T, A1395T.
Identifiers: ClinVar variation 971495 (VCV000971495.8), dbSNP rs1554704248, ClinGen allele CA372561263.

ClinVar aggregate classification (germline): Uncertain significance. Review status: criteria provided, multiple submitters, no conflicts (2 of 4 stars). 2 submissions from 2 submitters: Uncertain significance (2). Last evaluated 2025-12-08.

Conditions:
PLEC-related disorder. Also called: PLEC-related disorders; PLEC-related condition.
Epidermolysis bullosa simplex, Ogna type (EBS5A). Also called: Pidermolysis bullosa simplex 5A, Ogna type; EPIDERMOLYSIS BULLOSA SIMPLEX 5A, OGNA TYPE. Identifiers: Orphanet 79401, MedGen C0432317, MONDO:0007555, OMIM 131950.
Epidermolysis bullosa simplex 5B, with muscular dystrophy (EBS5B). Also called: Epidermolysis bullosa simplex with muscular dystrophy; EPIDERMOLYSIS BULLOSA SIMPLEX AND LIMB-GIRDLE MUSCULAR DYSTROPHY. Identifiers: Orphanet 257, MedGen C2931072, MONDO:0009181, OMIM 226670.
Epidermolysis bullosa simplex with nail dystrophy (EBS5D). Identifiers: MedGen C4225309, MONDO:0014661, OMIM 616487.
Autosomal recessive limb-girdle muscular dystrophy type 2Q (LGMDR17). Also called: MUSCULAR DYSTROPHY, LIMB-GIRDLE, AUTOSOMAL RECESSIVE 17. Identifiers: Orphanet 254361, MedGen C3150989, MONDO:0013390, OMIM 613723.
Epidermolysis bullosa simplex 5C, with pyloric atresia (EBS5C). Also called: PLEC-Related Epidermolysis Bullosa with Pyloric Atresia; Epidermolysis bullosa simplex with pyloric atresia; PLEC1-Related Epidermolysis Bullosa with Pyloric Atresia. Identifiers: Orphanet 158684, MedGen C2677349, MONDO:0012807, OMIM 612138.

Allele frequency attached by ClinVar (database versions not stated): TOPMed below 0.00001; gnomAD exomes 0.00001.

Submissions (2):

Labcorp Genetics (formerly Invitae), Labcorp
Classification: Uncertain significance for Autosomal recessive limb-girdle muscular dystrophy type 2Q; Epidermolysis bullosa simplex, Ogna type; Epidermolysis bullosa simplex with nail dystrophy; Epidermolysis bullosa simplex 5C, with pyloric atresia; Epidermolysis bullosa simplex 5B, with muscular dystrophy. Last evaluated: 2025-12-08. Review status: criteria provided, single submitter. Criteria: Invitae Variant Classification Sherloc (09022015). Collection method: clinical testing. Allele origin: germline.
Comment: This sequence change replaces alanine, which is neutral and non-polar, with threonine, which is neutral and polar, at codon 1395 of the PLEC protein (p.Ala1395Thr). This variant is present in population databases (no rsID available, gnomAD 0.004%). This variant has not been reported in the literature in individuals affected with PLEC-related conditions. ClinVar contains an entry for this variant (Variation ID: 971495). Experimental studies and prediction algorithms are not available or were not evaluated, and the functional significance of this variant is currently unknown. In summary, the available evidence is currently insufficient to determine the role of this variant in disease. Therefore, it has been classified as a Variant of Uncertain Significance.

PreventionGenetics, part of Exact Sciences
Classification: Uncertain significance for PLEC-related condition. Last evaluated: 2025-09-04. Review status: criteria provided, single submitter. Criteria: ACMG Guidelines, 2015. Collection method: clinical testing. Allele origin: germline.
Comment: The PLEC c.4183G>A variant is predicted to result in the amino acid substitution p.Ala1395Thr. To our knowledge, this variant has not been reported in the literature. This variant is reported in 0.0040% of alleles in individuals of South Asian descent in gnomAD. At this time, the clinical significance of this variant is uncertain due to the absence of conclusive functional and genetic evidence.